The following is an entry in ClinVar:

ClinVar aggregate classification (germline): Uncertain significance (1 of 4 stars; one submission).

Conditions:
Cardiomyopathy (CMYO). Also called: Cardiomyopathies. Identifiers: Orphanet 167848, MedGen C0878544, MONDO:0004994, HP:0001638. Inheritance: Various modes of inheritance.

Submission:

All of Us Research Program, National Institutes of Health
Classification: Uncertain significance for Cardiomyopathy. Last evaluated: 2024-02-05. Review status: criteria provided, single submitter. Criteria: ACMG Guidelines, 2015. Collection method: clinical testing. Allele origin: germline. Inheritance: Autosomal dominant inheritance. Observed: 3 variant alleles, 3 heterozygotes.
Comment: This missense variant replaces arginine with leucine at codon 1530 of the MYH7 protein. Computational prediction is inconclusive regarding the impact of this variant on protein structure and function (internally defined REVEL score threshold 0.5 < inconclusive < 0.7, PMID: 27666373). To our knowledge, functional studies have not been reported for this variant. This variant has not been reported in individuals affected with MYH7-related disorders in the literature. This variant has not been identified in the general population by the Genome Aggregation Database (gnomAD). The available evidence is insufficient to determine the role of this variant in disease conclusively. Therefore, this variant is classified as a Variant of Uncertain Significance.

This study involves interpretation of variants in research participants for the purpose of population health screening. Participant phenotype was not available at the time of variant classification. Additional details can be found in publication PMID: 35346344, PMCID: PMC8962531

NM_000257.4(MYH7):c.4589G>T (p.Arg1530Leu)

Genes: MHRT (myosin heavy chain associated RNA transcript; plus strand), MYH7 (myosin heavy chain 7; minus strand). Cytogenetic location: 14q11.2.
Variant type: single nucleotide variant.
Coding change: c.4589G>T on transcript NM_000257.4 (MANE Select); coding-DNA position 4589, G replaced by T.
Protein change: p.Arg1530Leu; replaces arginine 1530 with leucine.
Molecular consequence: missense variant. On other transcripts: non-coding transcript variant (1).
Genome position (GRCh38, 1-based): chr14:23,416,923, C>A on the plus strand (G>T on the coding strand, the complement: MYH7 is on the minus strand). VCF-style: chr14-23416923-C-A. GRCh37 (hg19) VCF-style: chr14-23886132-C-A.
Other names: c.4589G>T, p.Arg1530Leu (NM_001407004.1); short protein forms R1530L.
Identifiers: ClinVar variation 3073522 (VCV003073522.1), dbSNP rs730880803, ClinGen allele CA389038079.